The following is an entry in ClinVar:

ClinVar aggregate classification (germline): Benign/Likely benign. Review status: criteria provided, multiple submitters, no conflicts (2 of 4 stars). 3 submissions from 3 submitters: Benign (1); Likely benign (2). Last evaluated 2025-03-24.

Conditions:
Hereditary cancer-predisposing syndrome. Also called: Neoplastic Syndromes, Hereditary; Hereditary Cancer Syndrome; Tumor predisposition; Hereditary neoplastic syndrome. Identifiers: Orphanet 140162, MedGen C0027672, MeSH D009386, MONDO:0015356.
Peutz-Jeghers syndrome (PJS). Also called: POLYPOSIS, HAMARTOMATOUS INTESTINAL; POLYPS-AND-SPOTS SYNDROME; Peutz-Jeghers polyposis; Periorificial lentiginosis syndrome. Identifiers: Orphanet 2869, MedGen C0031269, MeSH D010580, MONDO:0008280, OMIM 175200.

Submissions (3):

Myriad Genetics, Inc.
Classification: Benign for Peutz-Jeghers syndrome. Last evaluated: 2025-03-24. Review status: criteria provided, single submitter. Criteria: Myriad Autosomal Dominant, Autosomal Recessive and X-Linked Classification Criteria (2023). Collection method: clinical testing. Allele origin: unknown.
Comment: This variant is considered benign. This variant is a silent/synonymous amino acid change and it is not expected to impact splicing.

Labcorp Genetics (formerly Invitae), Labcorp
Classification: Likely benign for Peutz-Jeghers syndrome. Last evaluated: 2024-07-21. Review status: criteria provided, single submitter. Criteria: Invitae Variant Classification Sherloc (09022015). Collection method: clinical testing. Allele origin: germline.

Ambry Genetics
Classification: Likely benign for Hereditary cancer-predisposing syndrome. Last evaluated: 2022-10-20. Review status: criteria provided, single submitter. Criteria: Ambry Variant Classification Scheme 2023. Collection method: clinical testing. Allele origin: germline.

NM_000455.5(STK11):c.57G>T (p.Ser19=)

Gene: STK11 (serine/threonine kinase 11; plus strand). Cytogenetic location: 19p13.3.
Variant type: single nucleotide variant.
Coding change: c.57G>T on transcript NM_000455.5 (MANE Select); coding-DNA position 57, G replaced by T.
Protein change: p.Ser19=; no amino-acid change (serine 19 retained).
Molecular consequence: synonymous variant.
Genome position (GRCh38, 1-based): chr19:1,206,970, G>T. VCF-style: chr19-1206970-G-T. GRCh37 (hg19) VCF-style: chr19-1206969-G-T.
Identifiers: ClinVar variation 799623 (VCV000799623.14), dbSNP rs748698151, ClinGen allele CA504706086.